The following is an entry in ClinVar:

NM_001754.5(RUNX1):c.121A>G (p.Thr41Ala)

Gene: RUNX1 (RUNX family transcription factor 1; minus strand). Cytogenetic location: 21q22.12.
Variant type: single nucleotide variant.
Coding change: c.121A>G on transcript NM_001754.5 (MANE Select); coding-DNA position 121, A replaced by G.
Protein change: p.Thr41Ala; replaces threonine 41 with alanine.
Molecular consequence: missense variant.
Genome position (GRCh38, 1-based): chr21:34,887,073, T>C on the plus strand (A>G on the coding strand, the complement: RUNX1 is on the minus strand). VCF-style: chr21-34887073-T-C. GRCh37 (hg19) VCF-style: chr21-36259370-T-C.
Other names: NM_001754.5(RUNX1):c.121A>G; p.Thr41Ala; c.40A>G, p.Thr14Ala (NM_001001890.3, NM_001122607.2); short protein forms T41A, T14A.
Identifiers: ClinVar variation 2959673 (VCV002959673.4), dbSNP rs2517488285, ClinGen allele CA410204256.
Genomic context (GRCh38, chr21:34,887,073, plus strand): 5'-GGGCGCCCAGCGGCAACGCCTCGCTCATCTTGCCTGGGCTCAGCGCGGTGGAAGGCGGCG[T>C]GAAGCGGCGGCTCGTGCTGGCATCTACGGGGATACGCATCACAACAAGCCGATTGAGTTA-3'
Protein context (NP_001745.2, residues 31-51): VHDASTSRRF[Thr41Ala]PPSTALSPGK

ClinVar aggregate classification (germline): Uncertain significance. Review status: reviewed by expert panel (3 of 4 stars). 2 submissions from 2 submitters: Uncertain significance (1). 1 of the submissions does not count toward it. Last evaluated 2024-10-29.

Conditions:
Hereditary thrombocytopenia and hematologic cancer predisposition syndrome. Identifiers: Orphanet 71290, MedGen CN281654, MONDO:0011071.
Hereditary thrombocytopenia and hematological cancer predisposition syndrome associated with RUNX1. Also called: RUNX1 Familial Platelet Disorder with Associated Myeloid Malignancies; Familial Platelet Disorder with Propensity to Acute Myelogenous Leukemia; Familial thrombocytopenia with propensity to acute myelogenous leukemia; PLATELET DISORDER, ASPIRIN-LIKE. Identifiers: Orphanet 71290, MedGen C1832388, MeSH C563324, MONDO:0100083, OMIM 601399.

Submissions (2):

ClinGen Myeloid Malignancy Variant Curation Expert Panel
Classification: Uncertain significance for Hereditary thrombocytopenia and hematologic cancer predisposition syndrome. Last evaluated: 2024-10-29. Review status: reviewed by expert panel. Criteria: ClinGen MyeloMalig ACMG Specifications v2. Collection method: curation. Allele origin: germline. Inheritance: Autosomal dominant inheritance.
Comment: NM_001754.5(RUNX1):c.121A>G (p.Thr41Ala) is a missense variant which is absent from gnomAD v2, v3, and v4.1 (PM2_supporting). This variant has not been reported in patients in the literature. Although it was evaluated in a construct of amino acids 28-86 in 293T cells where it did not affect phosphorylation by Cdk1 or Cdk6 (PMID: 18003885), this assay does not meet the requirements for use by the ClinGen Myeloid Malignancy VCEP. The computational predictor REVEL gives a score of 0.625, which is neither above nor below the thresholds predicting a damaging or benign impact on RUNX1 function, and the splice site predictor SpliceAI indicates that the variant has no impact on splicing. In summary, this variant meets the criteria to be classified as a VUS for autosomal dominant hereditary thrombocytopenia and hematologic cancer predisposition syndrome based on the ACMG/AMP criteria applied, as specified by the ClinGen Myeloid Malignancy VCEP: PM2_supporting.

Labcorp Genetics (formerly Invitae), Labcorp
Classification: Uncertain significance for Hereditary thrombocytopenia and hematological cancer predisposition syndrome associated with RUNX1. Last evaluated: 2024-05-21. Review status: criteria provided, single submitter. Criteria: Invitae Variant Classification Sherloc (09022015). Collection method: clinical testing. Allele origin: germline. Not counted in ClinVar's aggregate classification.
Comment: This sequence change replaces threonine, which is neutral and polar, with alanine, which is neutral and non-polar, at codon 41 of the RUNX1 protein (p.Thr41Ala). This variant is not present in population databases (gnomAD no frequency). This variant has not been reported in the literature in individuals affected with RUNX1-related conditions. Advanced modeling of protein sequence and biophysical properties (such as structural, functional, and spatial information, amino acid conservation, physicochemical variation, residue mobility, and thermodynamic stability) has been performed at Invitae for this missense variant, however the output from this modeling did not meet the statistical confidence thresholds required to predict the impact of this variant on RUNX1 protein function. In summary, the available evidence is currently insufficient to determine the role of this variant in disease. Therefore, it has been classified as a Variant of Uncertain Significance.